The following is an entry in ClinVar:

NM_002878.4(RAD51D):c.668-2_670del

Genes: RAD51L3-RFFL (RAD51L3-RFFL readthrough; minus strand), RAD51D (RAD51 paralog D; minus strand). Cytogenetic location: 17q12.
Variant type: Deletion.
Coding change: c.668-2_670del on transcript NM_002878.4 (MANE Select); the canonical splice acceptor site of the intron before coding-DNA position 668 through coding-DNA position 670, 5 bases deleted (AGGCT; older notation c.668-2_670delAGGCT).
Molecular consequence: splice acceptor variant.
Genome position (GRCh38, 1-based): chr17:35,103,322-35,103,326, AGCCT deleted on the plus strand (AGGCT on the coding strand, the reverse complement: RAD51D is on the minus strand). VCF-style (leftmost placement, unchanged base first): chr17-35103321-AAGCCT-A. GRCh37 (hg19) VCF-style: chr17-33430340-AAGCCT-A.
Other names: c.332-2_334del (NM_133629.3); c.728-2_730del (NM_001142571.2).
Identifiers: ClinVar variation 964286 (VCV000964286.6), dbSNP rs2091561681, ClinGen allele CA1139665495.

ClinVar aggregate classification (germline): Likely pathogenic (1 of 4 stars; one submission).

Conditions:
Breast-ovarian cancer, familial, susceptibility to, 4. Identifiers: Orphanet 145, MedGen C3280345, MONDO:0013669, OMIM 614291.

Submission:

Labcorp Genetics (formerly Invitae), Labcorp
Classification: Likely pathogenic for Breast-ovarian cancer, familial, susceptibility to, 4. Last evaluated: 2024-04-08. Review status: criteria provided, single submitter. Criteria: Invitae Variant Classification Sherloc (09022015). Collection method: clinical testing. Allele origin: germline.
Comment: This variant results in the deletion of part of exon 8 of the RAD51D gene. It is expected to disrupt RNA splicing. Variants that disrupt the donor or acceptor splice site typically lead to a loss of protein function (PMID: 16199547), and loss-of-function variants in RAD51D are known to be pathogenic (PMID: 21822267). This variant is not present in population databases (gnomAD no frequency). This variant has not been reported in the literature in individuals affected with RAD51D-related conditions. ClinVar contains an entry for this variant (Variation ID: 964286). In summary, the currently available evidence indicates that the variant is pathogenic, but additional data are needed to prove that conclusively. Therefore, this variant has been classified as Likely Pathogenic.

Literature cited by the submitters: PubMed 16199547; PubMed 21822267.